The following is an entry in ClinVar:

NM_014055.4(IFT81):c.347del (p.Ala116fs)

Gene: IFT81 (intraflagellar transport 81; plus strand). Cytogenetic location: 12q24.11.
Variant type: Deletion.
Coding change: c.347del on transcript NM_014055.4 (MANE Select); coding-DNA position 347, one base deleted (C; older notation c.347delC).
Protein change: p.Ala116fs; shifts the reading frame from alanine 116.
Molecular consequence: frameshift variant. On other transcripts: 5 prime UTR variant (2), non-coding transcript variant (4).
Genome position (GRCh38, 1-based): chr12:110,129,048, C deleted. VCF-style (leftmost placement, unchanged base first): chr12-110129047-GC-G. GRCh37 (hg19) VCF-style: chr12-110566852-GC-G.
Other names: c.347del, p.Ala116fs (NM_001143779.2, NM_001347946.2, NM_031473.4); c.-420del (NM_001347947.2, NM_001347948.2); short protein forms A116fs.
Identifiers: ClinVar variation 1962677 (VCV001962677.6), dbSNP rs753162734, ClinGen allele CA6783059.

ClinVar aggregate classification (germline): Pathogenic/Likely pathogenic. Review status: criteria provided, multiple submitters, no conflicts (2 of 4 stars). 2 submissions from 2 submitters: Pathogenic (1); Likely pathogenic (1). Last evaluated 2025-07-31.

Conditions:
IFT81-related disorders.

Allele frequency attached by ClinVar (database versions not stated): gnomAD exomes below 0.00001; TOPMed below 0.00001; ExAC 0.00001.

Submissions (2):

Labcorp Genetics (formerly Invitae), Labcorp
Classification: Pathogenic. Last evaluated: 2025-07-31. Review status: criteria provided, single submitter. Criteria: Invitae Variant Classification Sherloc (09022015). Collection method: clinical testing. Allele origin: germline.
Comment: This sequence change creates a premature translational stop signal (p.Ala116Aspfs*3) in the IFT81 gene. It is expected to result in an absent or disrupted protein product. Loss-of-function variants in IFT81 are known to be pathogenic (PMID: 26275418, 27666822). This variant is present in population databases (rs753162734, gnomAD 0.007%). This variant has not been reported in the literature in individuals affected with IFT81-related conditions. ClinVar contains an entry for this variant (Variation ID: 1962677). For these reasons, this variant has been classified as Pathogenic.

Blueprint Genetics
Classification: Likely pathogenic for IFT81-related disorders. Last evaluated: 2019-11-18. Review status: criteria provided, single submitter. Criteria: ACMG Guidelines, 2015. Collection method: clinical testing. Allele origin: germline. Affected: yes. Observed: 1 variant allele.

Literature cited by the submitters: PubMed 26275418 (cited by Labcorp Genetics (formerly Invitae), Labcorp); PubMed 27666822 (cited by Labcorp Genetics (formerly Invitae), Labcorp).